The following is an entry in ClinVar:

NM_000160.5(GCGR):c.279C>A (p.His93Gln)

Gene: GCGR (glucagon receptor; plus strand). Cytogenetic location: 17q25.3.
Variant type: single nucleotide variant.
Coding change: c.279C>A on transcript NM_000160.5 (MANE Select); coding-DNA position 279, C replaced by A.
Protein change: p.His93Gln; replaces histidine 93 with glutamine.
Molecular consequence: missense variant.
Genome position (GRCh38, 1-based): chr17:81,811,017, C>A. VCF-style: chr17-81811017-C-A. GRCh37 (hg19) VCF-style: chr17-79768893-C-A.
Other names: short protein forms H93Q.
Identifiers: ClinVar variation 3647241 (VCV003647241.2).

ClinVar aggregate classification (germline): Uncertain significance (1 of 4 stars; one submission).

Submission:

Labcorp Genetics (formerly Invitae), Labcorp
Classification: Uncertain significance. Last evaluated: 2024-06-03. Review status: criteria provided, single submitter. Criteria: Invitae Variant Classification Sherloc (09022015). Collection method: clinical testing. Allele origin: germline.
Comment: This sequence change replaces histidine, which is basic and polar, with glutamine, which is neutral and polar, at codon 93 of the GCGR protein (p.His93Gln). This variant is present in population databases (no rsID available, gnomAD 0.004%). This variant has not been reported in the literature in individuals affected with GCGR-related conditions. An algorithm developed to predict the effect of missense changes on protein structure and function (PolyPhen-2) suggests that this variant is likely to be disruptive. In summary, the available evidence is currently insufficient to determine the role of this variant in disease. Therefore, it has been classified as a Variant of Uncertain Significance.